The following is an entry in ClinVar:

ClinVar aggregate classification (germline): Uncertain significance. Review status: criteria provided, multiple submitters, no conflicts (2 of 4 stars). 2 submissions from 2 submitters: Uncertain significance (2). Last evaluated 2023-12-15.

Conditions:
Inborn genetic diseases. Identifiers: MedGen C0950123, MeSH D030342.
Severe combined immunodeficiency, autosomal recessive, T cell-negative, B cell-negative, NK cell-positive. Also called: SCID, T CELL-NEGATIVE, B CELL-NEGATIVE, NK CELL-POSITIVE; Severe combined immunodeficiency due to complete RAG1/2 deficiency; SCID, AR, T-cell negative, B-cell negative, NK cell-positive. Identifiers: Orphanet 331206, MedGen C1832322, MONDO:0011086, OMIM 601457.
Combined immunodeficiency with skin granulomas. Identifiers: Orphanet 157949, MedGen C2673536, MONDO:0009306, OMIM 233650.

Allele frequency attached by ClinVar (database versions not stated): gnomAD exomes 0.00001 and 0.00005; TOPMed 0.00002; gnomAD 0.00003 and 0.00004; ExAC 0.00005.
gnomAD v4.1: 27 of 1,614,100 alleles (0.0017%); highest among the groups gnomAD compares: East Asian, 0.045%; no homozygotes.

Submissions (2):

Ambry Genetics
Classification: Uncertain significance for Inborn genetic diseases. Last evaluated: 2023-12-15. Review status: criteria provided, single submitter. Criteria: Ambry Variant Classification Scheme 2023. Collection method: clinical testing. Allele origin: germline.

Labcorp Genetics (formerly Invitae), Labcorp
Classification: Uncertain significance for Combined immunodeficiency with skin granulomas; Severe combined immunodeficiency, autosomal recessive, T cell-negative, B cell-negative, NK cell-positive. Last evaluated: 2021-08-14. Review status: criteria provided, single submitter. Criteria: Invitae Variant Classification Sherloc (09022015). Collection method: clinical testing. Allele origin: germline.
Comment: This sequence change replaces methionine with leucine at codon 852 of the RAG1 protein (p.Met852Leu). The methionine residue is highly conserved and there is a small physicochemical difference between methionine and leucine. This variant is present in population databases (rs760255456, ExAC 0.07%). This variant has not been reported in the literature in individuals affected with RAG1-related conditions. Algorithms developed to predict the effect of missense changes on protein structure and function are either unavailable or do not agree on the potential impact of this missense change (SIFT: "Deleterious"; PolyPhen-2: "Possibly Damaging"; Align-GVGD: "Class C0"). In summary, the available evidence is currently insufficient to determine the role of this variant in disease. Therefore, it has been classified as a Variant of Uncertain Significance.

NM_000448.3(RAG1):c.2554A>T (p.Met852Leu)

Gene: RAG1 (recombination activating 1; plus strand). Cytogenetic location: 11p12.
Variant type: single nucleotide variant.
Coding change: c.2554A>T on transcript NM_000448.3 (MANE Select); coding-DNA position 2554, A replaced by T.
Protein change: p.Met852Leu; replaces methionine 852 with leucine.
Molecular consequence: missense variant.
Genome position (GRCh38, 1-based): chr11:36,575,858, A>T. VCF-style: chr11-36575858-A-T. GRCh37 (hg19) VCF-style: chr11-36597408-A-T.
Other names: c.2554A>T, p.Met852Leu (NM_001377277.1, NM_001377278.1, NM_001377279.1 and 1 more transcripts); c.2554A>T (NM_000448.2); short protein forms M852L.
Identifiers: ClinVar variation 1397906 (VCV001397906.6), dbSNP rs760255456, ClinGen allele CA5950287.
Genomic context (GRCh38, chr11:36,575,858, plus strand): 5'-TGGCAGGCCACACTGGACAAGCATCTCCGGAAGAAGATGAACCTCAAACCAATCATGAGG[A>T]TGAATGGCAACTTTGCCAGGAAGCTCATGACCAAAGAGACTGTGGATGCAGTTTGTGAGT-3'
Protein context (NP_000439.2, residues 842-862): KKMNLKPIMR[Met852Leu]NGNFARKLMT